The following is an entry in ClinVar:

NM_001042492.3(NF1):c.5894_5895del (p.Asp1965fs)

Gene: NF1 (neurofibromin 1; plus strand). Cytogenetic location: 17q11.2.
Variant type: Deletion.
Coding change: c.5894_5895del on transcript NM_001042492.3 (MANE Select); coding-DNA positions 5894 to 5895, 2 bases deleted (AT; older notation c.5894_5895delAT).
Protein change: p.Asp1965fs; shifts the reading frame from aspartic acid 1965.
Molecular consequence: frameshift variant.
Genome position (GRCh38, 1-based): chr17:31,334,919-31,334,920, AT deleted. VCF-style (leftmost placement, unchanged base first): chr17-31334918-GAT-G. GRCh37 (hg19) VCF-style: chr17-29661936-GAT-G.
Other names: c.5831_5832delAT (NM_000267.3); c.5831_5832delAT, p.Asp1944Glyfs (NM_000267.4); short protein forms D1965fs, D1944fs.
Identifiers: ClinVar variation 1749976 (VCV001749976.2), dbSNP rs2508736738, ClinGen allele CA2580092980.

ClinVar aggregate classification (germline): Pathogenic (1 of 4 stars; one submission).

Conditions:
Cardiovascular phenotype. Identifiers: MedGen CN230736.
Hereditary cancer-predisposing syndrome. Also called: Hereditary Cancer Syndrome; Hereditary neoplastic syndrome; Neoplastic Syndromes, Hereditary; Tumor predisposition. Identifiers: Orphanet 140162, MedGen C0027672, MeSH D009386, MONDO:0015356.

Submission:

Ambry Genetics
Classification: Pathogenic for Cardiovascular phenotype; Hereditary cancer-predisposing syndrome. Last evaluated: 2020-10-21. Review status: criteria provided, single submitter. Criteria: Ambry Variant Classification Scheme 2023. Collection method: clinical testing. Allele origin: germline.
Comment: The c.5831_5832delAT pathogenic mutation, located in coding exon 39 of the NF1 gene, results from a deletion of two nucleotides at nucleotide positions 5831 to 5832, causing a translational frameshift with a predicted alternate stop codon (p.D1944Gfs*11). This alteration is expected to result in loss of function by premature protein truncation or nonsense-mediated mRNA decay. As such, this alteration is interpreted as a disease-causing mutation.